The following is an entry in ClinVar:

NM_031407.7(HUWE1):c.1316T>C (p.Ile439Thr)

Gene: HUWE1 (HECT, UBA and WWE domain containing E3 ubiquitin protein ligase 1; minus strand). Cytogenetic location: Xp11.22.
Variant type: single nucleotide variant.
Coding change: c.1316T>C on transcript NM_031407.7 (MANE Select); coding-DNA position 1316, T replaced by C.
Protein change: p.Ile439Thr; replaces isoleucine 439 with threonine.
Molecular consequence: missense variant.
Genome position (GRCh38, 1-based): chrX:53,627,806, A>G on the plus strand (T>C on the coding strand, the complement: HUWE1 is on the minus strand). VCF-style: chrX-53627806-A-G. GRCh37 (hg19) VCF-style: chrX-53654757-A-G.
Other names: short protein forms I439T.
Identifiers: ClinVar variation 3364808 (VCV003364808.1).
Genomic context (GRCh38, chrX:53,627,806, plus strand): 5'-CTATAAATGAAGATAGAAAGTCCACTATGGGATTGAAAAGCTGCCATATCCAGGTTGGTG[A>G]TAAGGTCAACCACTCTGACGGCTCTGGTGACAAATGTTATCTGGTCCTGTTCATCGCCAA-3'
Protein context (NP_113584.3, residues 429-449): VTRAVRVVDL[Ile439Thr]TNLDMAAFQS

ClinVar aggregate classification (germline): Uncertain significance (1 of 4 stars; one submission).

Submission:

GeneDx
Classification: Uncertain significance. Last evaluated: 2023-11-29. Review status: criteria provided, single submitter. Criteria: GeneDx Variant Classification Process June 2021. Collection method: clinical testing. Allele origin: germline. Affected: yes.
Comment: Not observed at significant frequency in large population cohorts (gnomAD); In silico analysis supports that this missense variant has a deleterious effect on protein structure/function; Has not been previously published as pathogenic or benign to our knowledge